The following is an entry in ClinVar:

NM_032048.3(EMILIN2):c.969C>T (p.Asp323=)

Gene: EMILIN2 (elastin microfibril interfacer 2; plus strand). Cytogenetic location: 18p11.32.
Variant type: single nucleotide variant.
Coding change: c.969C>T on transcript NM_032048.3 (MANE Select); coding-DNA position 969, C replaced by T.
Protein change: p.Asp323=; no amino-acid change (aspartic acid 323 retained).
Molecular consequence: synonymous variant.
Genome position (GRCh38, 1-based): chr18:2,891,096, C>T. VCF-style: chr18-2891096-C-T. GRCh37 (hg19) VCF-style: chr18-2891094-C-T.
Identifiers: ClinVar variation 3388538 (VCV003388538.14).
Genomic context (GRCh38, chr18:2,891,096, plus strand): 5'-CCCGACGGTGACCATGACAACCAACGAACTCTACCAAGCCTATGTGGACAGTAAGATCGA[C>T]GCCCTGAGAGAGGAGCTCATGGAGGGCATGGACAGAAAGCTGGCTGACCTGAAAAACTCA-3'
Protein context (NP_114437.2, residues 313-333): LYQAYVDSKI[Asp323=]ALREELMEGM

ClinVar aggregate classification (germline): Likely benign (1 of 4 stars; one submission).

gnomAD v4.1: 30 of 1,614,184 alleles (0.0019%); highest among the groups gnomAD compares: African/African-American, 0.004%; no homozygotes.

Submission:

CeGaT Center for Human Genetics Tuebingen
Classification: Likely benign. Last evaluated: 2024-10-01. Review status: criteria provided, single submitter. Criteria: CeGaT Center For Human Genetics Tuebingen Variant Classification Criteria Version 2. Collection method: clinical testing. Allele origin: germline. Affected: yes. Observed: 1 variant allele.
Comment: EMILIN2: BP4, BP7